The following is an entry in ClinVar:

NM_022773.4(LMF1):c.1593G>C (p.Glu531Asp)

Gene: LMF1 (lipase maturation factor 1; minus strand). Cytogenetic location: 16p13.3.
Variant type: single nucleotide variant.
Coding change: c.1593G>C on transcript NM_022773.4 (MANE Select); coding-DNA position 1593, G replaced by C.
Protein change: p.Glu531Asp; replaces glutamic acid 531 with aspartic acid.
Molecular consequence: missense variant. On other transcripts: non-coding transcript variant (1).
Genome position (GRCh38, 1-based): chr16:854,643, C>G on the plus strand (G>C on the coding strand, the complement: LMF1 is on the minus strand). VCF-style: chr16-854643-C-G. GRCh37 (hg19) VCF-style: chr16-904643-C-G.
Other names: c.942G>C, p.Glu314Asp (NM_001352017.2, NM_001352021.2); c.1194G>C, p.Glu398Asp (NM_001352018.2); c.1266G>C, p.Glu422Asp (NM_001352019.2); c.1513G>C, p.Gly505Arg (NM_001352020.1); short protein forms E398D, E422D, E314D, E531D, G505R.
Identifiers: ClinVar variation 783726 (VCV000783726.21), dbSNP rs190958016, ClinGen allele CA7796867.
Genomic context (GRCh38, chr16:854,643, plus strand): 5'-CTCCTCCAGGCTGAGCGGAGGGAAGTAGGCTCCGATCCTCTTCCGCACCCACCACTTGCC[C>G]TCGGCGGCGTGCCTGCCCCCAGGACGGCTGAACTTGTACCTGTAGTGCTCTCCTCGGACC-3'
Protein context (NP_073610.2, residues 521-541): FSRPGGRHAA[Glu531Asp]GKWWVRKRIG

ClinVar aggregate classification (germline): Benign/Likely benign. Review status: criteria provided, multiple submitters, no conflicts (2 of 4 stars). 8 submissions from 8 submitters: Benign (4); Likely benign (1). 3 of the submissions do not count toward it. Last evaluated 2026-01-25.

Conditions:
LMF1-related disorder. Also called: LMF1-related condition.
Cardiovascular phenotype. Identifiers: MedGen CN230736.

Allele frequency attached by ClinVar (database versions not stated): gnomAD exomes 0.00047 and 0.00119; ExAC 0.00192; ESP Exome Variant Server 0.00465; gnomAD 0.00485 and 0.00525; 1000 Genomes Project 0.00499; 1000 Genomes Project 30x 0.00531; TOPMed 0.00550.
gnomAD v4.1: 1,479 of 1,606,502 alleles (0.092%); highest among the groups gnomAD compares: African/African-American, 1.7%; 9 homozygotes.

Submissions (8):

Labcorp Genetics (formerly Invitae), Labcorp
Classification: Benign. Last evaluated: 2026-01-25. Review status: criteria provided, single submitter. Criteria: Invitae Variant Classification Sherloc (09022015). Collection method: clinical testing. Allele origin: germline.

Blueprint Genetics
Classification: Likely benign. Last evaluated: 2024-11-01. Review status: criteria provided, single submitter. Criteria: ACMG Guidelines, 2015. Collection method: clinical testing. Allele origin: germline.

GeneDx
Classification: Benign. Last evaluated: 2021-03-22. Review status: criteria provided, single submitter. Criteria: GeneDx Variant Classification Process June 2021. Collection method: clinical testing. Allele origin: germline. Affected: yes.
Comment: This variant is associated with the following publications: (PMID: 22135386)

Ambry Genetics
Classification: Benign for Cardiovascular phenotype. Last evaluated: 2020-02-27. Review status: criteria provided, single submitter. Criteria: Ambry Variant Classification Scheme 2023. Collection method: clinical testing. Allele origin: germline.

Breakthrough Genomics
Classification: Benign. Review status: criteria provided, single submitter. Criteria: ACMG Guidelines, 2015. Collection method: not provided. Allele origin: germline. Inheritance: Autosomal recessive inheritance. Affected: yes.

PreventionGenetics, part of Exact Sciences
Classification: Likely benign for LMF1-related condition. Last evaluated: 2021-03-08. Review status: no assertion criteria provided. Collection method: clinical testing. Allele origin: germline. Not counted in ClinVar's aggregate classification.
Comment: This variant is classified as likely benign based on ACMG/AMP sequence variant interpretation guidelines (Richards et al. 2015 PMID: 25741868, with internal and published modifications).

Clinical Genetics DNA and cytogenetics Diagnostics Lab, Erasmus MC, Erasmus Medical Center
Classification: Benign. Review status: no assertion criteria provided. Collection method: clinical testing. Allele origin: germline. Affected: yes. Study: VKGL Data-share Consensus. Not counted in ClinVar's aggregate classification.

Clinical Genetics, Academic Medical Center
Classification: Benign. Review status: no assertion criteria provided. Collection method: clinical testing. Allele origin: germline. Affected: yes. Study: VKGL Data-share Consensus. Not counted in ClinVar's aggregate classification.

Literature cited by the submitters: PubMed 22135386 (cited by Ambry Genetics).